The following is an entry in ClinVar:

NM_001009944.3(PKD1):c.1590C>T (p.Cys530=)

Gene: PKD1 (polycystin 1, transient receptor potential channel interacting; minus strand). Cytogenetic location: 16p13.3.
Variant type: single nucleotide variant.
Coding change: c.1590C>T on transcript NM_001009944.3 (MANE Select); coding-DNA position 1590, C replaced by T.
Protein change: p.Cys530=; no amino-acid change (cysteine 530 retained).
Molecular consequence: synonymous variant.
Genome position (GRCh38, 1-based): chr16:2,116,849, G>A on the plus strand (C>T on the coding strand, the complement: PKD1 is on the minus strand). VCF-style: chr16-2116849-G-A. GRCh37 (hg19) VCF-style: chr16-2166850-G-A.
Other names: c.1590C>T, p.Cys530= (NM_000296.4).
Identifiers: ClinVar variation 3040991 (VCV003040991.2), dbSNP rs762409210, ClinGen allele CA7833489.

ClinVar aggregate classification (germline): Likely benign (0 of 4 stars; one submission).

Conditions:
PKD1-related disorder. Also called: PKD1-related condition.

Allele frequency attached by ClinVar (database versions not stated): gnomAD 0.00003; TOPMed 0.00003; gnomAD exomes 0.00006.

Submission:

PreventionGenetics, part of Exact Sciences
Classification: Likely benign for PKD1-related condition. Last evaluated: 2020-06-10. Review status: no assertion criteria provided. Collection method: clinical testing. Allele origin: germline.
Comment: This variant is classified as likely benign based on ACMG/AMP sequence variant interpretation guidelines (Richards et al. 2015 PMID: 25741868, with internal and published modifications).